The following is an entry in ClinVar:

NM_004360.5(CDH1):c.2236G>A (p.Asp746Asn)

Gene: CDH1 (cadherin 1; plus strand). Cytogenetic location: 16q22.1.
Variant type: single nucleotide variant.
Coding change: c.2236G>A on transcript NM_004360.5 (MANE Select); coding-DNA position 2236, G replaced by A.
Protein change: p.Asp746Asn; replaces aspartic acid 746 with asparagine.
Molecular consequence: missense variant.
Genome position (GRCh38, 1-based): chr16:68,828,245, G>A. VCF-style: chr16-68828245-G-A. GRCh37 (hg19) VCF-style: chr16-68862148-G-A.
Other names: c.2236G>A (NM_004360.3); c.2053G>A, p.Asp685Asn (NM_001317184.2); c.688G>A, p.Asp230Asn (NM_001317185.2); c.271G>A, p.Asp91Asn (NM_001317186.2); short protein forms D91N, D230N, D685N, D746N.
Identifiers: ClinVar variation 925393 (VCV000925393.11), dbSNP rs766636655, ClinGen allele CA8130234.

ClinVar aggregate classification (germline): Uncertain significance. Review status: criteria provided, multiple submitters, no conflicts (2 of 4 stars). 3 submissions from 3 submitters: Uncertain significance (3). Last evaluated 2023-08-30.

Conditions:
Hereditary cancer-predisposing syndrome. Also called: Hereditary Cancer Syndrome; Hereditary neoplastic syndrome; Neoplastic Syndromes, Hereditary; Tumor predisposition. Identifiers: Orphanet 140162, MedGen C0027672, MeSH D009386, MONDO:0015356.
Hereditary diffuse gastric adenocarcinoma (HDGC). Also called: DIFFUSE GASTRIC AND LOBULAR BREAST CANCER SYNDROME. Identifiers: Orphanet 26106, MedGen C1708349, MONDO:0007648, OMIM 137215.

Allele frequency attached by ClinVar (database versions not stated): gnomAD exomes below 0.00001; ExAC 0.00001.
gnomAD v4.1: 2 of 1,614,094 alleles (0.00012%); highest among the groups gnomAD compares: South Asian, 0.0022%; no homozygotes.

Submissions (3):

Ambry Genetics
Classification: Uncertain significance for Hereditary cancer-predisposing syndrome. Last evaluated: 2023-08-30. Review status: criteria provided, single submitter. Criteria: Ambry Variant Classification Scheme 2023. Collection method: clinical testing. Allele origin: germline.
Comment: The p.D746N variant (also known as c.2236G>A), located in coding exon 14 of the CDH1 gene, results from a G to A substitution at nucleotide position 2236. The aspartic acid at codon 746 is replaced by asparagine, an amino acid with highly similar properties. This amino acid position is conserved. In addition, this alteration is predicted to be tolerated by in silico analysis. Since supporting evidence is limited at this time, the clinical significance of this alteration remains unclear.

Labcorp Genetics (formerly Invitae), Labcorp
Classification: Uncertain significance for Hereditary diffuse gastric adenocarcinoma. Last evaluated: 2022-05-09. Review status: criteria provided, single submitter. Criteria: Invitae Variant Classification Sherloc (09022015). Collection method: clinical testing. Allele origin: germline.
Comment: In summary, the available evidence is currently insufficient to determine the role of this variant in disease. Therefore, it has been classified as a Variant of Uncertain Significance. Algorithms developed to predict the effect of missense changes on protein structure and function are either unavailable or do not agree on the potential impact of this missense change (SIFT: "Tolerated"; PolyPhen-2: "Probably Damaging"; Align-GVGD: "Class C0"). ClinVar contains an entry for this variant (Variation ID: 925393). This variant has not been reported in the literature in individuals affected with CDH1-related conditions. This variant is present in population databases (rs766636655, gnomAD 0.003%). This sequence change replaces aspartic acid, which is acidic and polar, with asparagine, which is neutral and polar, at codon 746 of the CDH1 protein (p.Asp746Asn).

Color Diagnostics, LLC DBA Color Health
Classification: Uncertain significance for Hereditary cancer-predisposing syndrome. Last evaluated: 2019-12-12. Review status: criteria provided, single submitter. Criteria: ACMG Guidelines, 2015. Collection method: clinical testing. Allele origin: germline.
Comment: This missense variant replaces aspartic acid with asparagine at codon 746 of the CDH1 protein. Computational prediction is inconclusive regarding the impact of this variant on protein structure and function (internally defined REVEL score threshold 0.5 < inconclusive < 0.7, PMID: 27666373). Splice site prediction tools suggest that this variant may not impact RNA splicing. To our knowledge, functional studies have not been performed for this variant. This variant has not been reported in individuals affected with hereditary cancer in the literature. This variant has been identified in 1/251476 chromosomes in the general population by the Genome Aggregation Database (gnomAD). The available evidence is insufficient to determine the role of this variant in disease conclusively. Therefore, this variant is classified as a Variant of Uncertain Significance.